The following is an entry in ClinVar:

ClinVar aggregate classification (germline): Uncertain significance. Review status: criteria provided, multiple submitters, no conflicts (2 of 4 stars). 2 submissions from 2 submitters: Uncertain significance (2). Last evaluated 2024-11-11.

Allele frequency attached by ClinVar (database versions not stated): TOPMed 0.00001; gnomAD exomes below 0.00001.
gnomAD v4.1: 2 of 1,585,636 alleles (0.00013%); highest among the groups gnomAD compares: Admixed American, 0.0017%; no homozygotes.

Submissions (2):

Labcorp Genetics (formerly Invitae), Labcorp
Classification: Uncertain significance. Last evaluated: 2024-11-11. Review status: criteria provided, single submitter. Criteria: Invitae Variant Classification Sherloc (09022015). Collection method: clinical testing. Allele origin: germline.
Comment: This sequence change replaces alanine, which is neutral and non-polar, with serine, which is neutral and polar, at codon 3068 of the ADGRV1 protein (p.Ala3068Ser). This variant is present in population databases (no rsID available, gnomAD 0.003%). This variant has not been reported in the literature in individuals affected with ADGRV1-related conditions. ClinVar contains an entry for this variant (Variation ID: 1517955). Invitae Evidence Modeling of protein sequence and biophysical properties (such as structural, functional, and spatial information, amino acid conservation, physicochemical variation, residue mobility, and thermodynamic stability) indicates that this missense variant is not expected to disrupt ADGRV1 protein function with a negative predictive value of 95%. In summary, the available evidence is currently insufficient to determine the role of this variant in disease. Therefore, it has been classified as a Variant of Uncertain Significance.

Women's Health and Genetics/Laboratory Corporation of America, LabCorp
Classification: Uncertain significance. Last evaluated: 2023-10-19. Review status: criteria provided, single submitter. Criteria: LabCorp Variant Classification Summary - May 2015. Collection method: clinical testing. Allele origin: germline.
Comment: Variant summary: ADGRV1 c.9202G>T (p.Ala3068Ser) results in a conservative amino acid change located in the Na-Ca exchanger/integrin-beta4 domain (IPR003644) of the encoded protein sequence. Three of five in-silico tools predict a damaging effect of the variant on protein function. The variant allele was found at a frequency of 4.1e-06 in 241076 control chromosomes (gnomAD). The available data on variant occurrences in the general population are insufficient to allow any conclusion about variant significance. To our knowledge, no occurrence of c.9202G>T in individuals affected with ADGRV1-Related Disorders and no experimental evidence demonstrating its impact on protein function have been reported. One submitter has cited clinical-significance assessments for this variant to ClinVar after 2014 and has classified the variant as uncertain significance. Based on the evidence outlined above, the variant was classified as uncertain significance.

NM_032119.4(ADGRV1):c.9202G>T (p.Ala3068Ser)

Gene: ADGRV1 (adhesion G protein-coupled receptor V1; plus strand). Cytogenetic location: 5q14.3.
Variant type: single nucleotide variant.
Coding change: c.9202G>T on transcript NM_032119.4 (MANE Select); coding-DNA position 9202, G replaced by T.
Protein change: p.Ala3068Ser; replaces alanine 3068 with serine.
Molecular consequence: missense variant. On other transcripts: non-coding transcript variant (1).
Genome position (GRCh38, 1-based): chr5:90,716,484, G>T. VCF-style: chr5-90716484-G-T. GRCh37 (hg19) VCF-style: chr5-90012301-G-T.
Other names: short protein forms A3068S.
Identifiers: ClinVar variation 1517955 (VCV001517955.7), dbSNP rs972777692, ClinGen allele CA122805706.